The following is an entry in ClinVar:

NM_004793.4(LONP1):c.1685+6C>T

Genes: LONP1 (lon peptidase 1, mitochondrial; minus strand), LOC130063269 (ATAC-STARR-seq lymphoblastoid active region 13814; plus strand). Cytogenetic location: 19p13.3.
Variant type: single nucleotide variant.
Coding change: c.1685+6C>T on transcript NM_004793.4 (MANE Select); 6 bases into the intron after coding-DNA position 1685, C replaced by T.
Molecular consequence: intron variant.
Genome position (GRCh38, 1-based): chr19:5,699,021, G>A on the plus strand (C>T on the coding strand, the complement: LONP1 is on the minus strand). VCF-style: chr19-5699021-G-A. GRCh37 (hg19) VCF-style: chr19-5699032-G-A.
Other names: c.1097+6C>T (NM_001276480.1); c.1493+6C>T (NM_001276479.2).
Identifiers: ClinVar variation 1524103 (VCV001524103.7), dbSNP rs369233787, ClinGen allele CA9114585.

ClinVar aggregate classification (germline): Uncertain significance. Review status: criteria provided, multiple submitters, no conflicts (2 of 4 stars). 2 submissions from 2 submitters: Uncertain significance (2). Last evaluated 2025-01-06.

Allele frequency attached by ClinVar (database versions not stated): gnomAD 0.00006; ESP Exome Variant Server 0.00008; TOPMed 0.00008; ExAC 0.00009; gnomAD exomes 0.00009 and 0.00010; 1000 Genomes Project 30x 0.00016; 1000 Genomes Project 0.00020.

Submissions (2):

Labcorp Genetics (formerly Invitae), Labcorp
Classification: Uncertain significance. Last evaluated: 2025-01-06. Review status: criteria provided, single submitter. Criteria: Invitae Variant Classification Sherloc (09022015). Collection method: clinical testing. Allele origin: germline.
Comment: This sequence change falls in intron 10 of the LONP1 gene. It does not directly change the encoded amino acid sequence of the LONP1 protein. It affects a nucleotide within the consensus splice site. This variant is present in population databases (rs369233787, gnomAD 0.02%). This variant has not been reported in the literature in individuals affected with LONP1-related conditions. ClinVar contains an entry for this variant (Variation ID: 1524103). Variants that disrupt the consensus splice site are a relatively common cause of aberrant splicing (PMID: 17576681, 9536098). Algorithms developed to predict the effect of sequence changes on RNA splicing suggest that this variant is not likely to affect RNA splicing. In summary, the available evidence is currently insufficient to determine the role of this variant in disease. Therefore, it has been classified as a Variant of Uncertain Significance.

Women's Health and Genetics/Laboratory Corporation of America, LabCorp
Classification: Uncertain significance. Last evaluated: 2024-12-26. Review status: criteria provided, single submitter. Criteria: LabCorp Variant Classification Summary - May 2015. Collection method: clinical testing. Allele origin: germline.
Comment: Variant summary: LONP1 c.1685+6C>T alters a non-conserved nucleotide located close to a canonical splice site and therefore could affect mRNA splicing, leading to a significantly altered protein sequence. Consensus agreement among computation tools predict no significant impact on normal splicing. However, these predictions have yet to be confirmed by functional studies. The variant allele was found at a frequency of 9.5e-05 in 242738 control chromosomes. This frequency is not significantly higher than estimated for a pathogenic variant in LONP1 causing CODAS Syndrome, allowing no conclusion about variant significance. To our knowledge, no occurrence of c.1685+6C>T in individuals affected with CODAS Syndrome and no experimental evidence demonstrating its impact on protein function have been reported. ClinVar contains an entry for this variant (Variation ID: 1524103). Based on the evidence outlined above, the variant was classified as uncertain significance.

Literature cited by the submitters: PubMed 17576681 (cited by Labcorp Genetics (formerly Invitae), Labcorp); PubMed 9536098 (cited by Labcorp Genetics (formerly Invitae), Labcorp).